The following is an entry in ClinVar:

NM_002458.3(MUC5B):c.10853G>A (p.Arg3618His)

Genes: MUC5B (mucin 5B, oligomeric mucus/gel-forming; plus strand), MUC5B-AS1 (MUC5B antisense RNA 1; minus strand). Cytogenetic location: 11p15.5.
Variant type: single nucleotide variant.
Coding change: c.10853G>A on transcript NM_002458.3 (MANE Select); coding-DNA position 10853, G replaced by A.
Protein change: p.Arg3618His; replaces arginine 3618 with histidine.
Molecular consequence: missense variant.
Genome position (GRCh38, 1-based): chr11:1,247,733, G>A. VCF-style: chr11-1247733-G-A. GRCh37 (hg19) VCF-style: chr11-1268963-G-A.
Other names: c.10853G>A (NM_002458.2); short protein forms R3618H.
Identifiers: ClinVar variation 1299902 (VCV001299902.29), dbSNP rs201155330, ClinGen allele CA5807473.

ClinVar aggregate classification (germline): Conflicting classifications of pathogenicity. Review status: criteria provided, conflicting classifications (1 of 4 stars). 5 submissions from 5 submitters: Uncertain significance (1); Likely benign (2). 2 of the submissions do not count toward it. Last evaluated 2025-12-01.

Allele frequency attached by ClinVar (database versions not stated): ESP Exome Variant Server 0.00034; gnomAD 0.00037 and 0.00039; TOPMed 0.00045; gnomAD exomes 0.00055 and 0.00058; 1000 Genomes Project 30x 0.00062; ExAC 0.00065; 1000 Genomes Project 0.00080.
gnomAD v4.1: 856 of 1,604,864 alleles (0.053%); highest among the groups gnomAD compares: Middle Eastern, 0.2%; 16 homozygotes.

Submissions (5):

CeGaT Center for Human Genetics Tuebingen
Classification: Likely benign. Last evaluated: 2025-12-01. Review status: criteria provided, single submitter. Criteria: CeGaT Center For Human Genetics Tuebingen Variant Classification Criteria Version 2. Collection method: clinical testing. Allele origin: germline. Affected: yes. Observed: 4 variant alleles.
Comment: MUC5B: BP4, BS2

Ambry Genetics
Classification: Uncertain significance. Last evaluated: 2024-09-02. Review status: criteria provided, single submitter. Criteria: Ambry Variant Classification Scheme 2023. Collection method: clinical testing. Allele origin: germline.

Breakthrough Genomics
Classification: Likely benign. Review status: criteria provided, single submitter. Criteria: ACMG Guidelines, 2015. Collection method: not provided. Allele origin: germline. Inheritance: Autosomal dominant inheritance. Affected: yes.

Clinical Genetics DNA and cytogenetics Diagnostics Lab, Erasmus MC, Erasmus Medical Center
Classification: Likely benign. Review status: no assertion criteria provided. Collection method: clinical testing. Allele origin: germline. Affected: yes. Study: VKGL Data-share Consensus. Not counted in ClinVar's aggregate classification.

Diagnostic Laboratory, Department of Genetics, University Medical Center Groningen
Classification: Likely benign. Review status: no assertion criteria provided. Collection method: clinical testing. Allele origin: germline. Affected: yes. Study: VKGL Data-share Consensus. Not counted in ClinVar's aggregate classification.